The following is an entry in ClinVar:

ClinVar aggregate classification (germline): Uncertain significance (1 of 4 stars; one submission).

Conditions:
Bethlem myopathy 2 (BTHLM2). Identifiers: Orphanet 536516, Orphanet 610, MedGen C4225313, MONDO:0034022, OMIM 616471.
Ullrich congenital muscular dystrophy 2 (UCMD2). Identifiers: Orphanet 75840, MedGen C4225314, MONDO:0014654, OMIM 616470.

Submission:

Labcorp Genetics (formerly Invitae), Labcorp
Classification: Uncertain significance for Bethlem myopathy 2; Ullrich congenital muscular dystrophy 2. Last evaluated: 2025-12-13. Review status: criteria provided, single submitter. Criteria: Invitae Variant Classification Sherloc (09022015). Collection method: clinical testing. Allele origin: germline.
Comment: This sequence change falls in intron 25 of the COL12A1 gene. It does not directly change the encoded amino acid sequence of the COL12A1 protein. This variant is not present in population databases (gnomAD no frequency). This variant has not been reported in the literature in individuals affected with COL12A1-related conditions. Algorithms developed to predict the effect of sequence changes on RNA splicing suggest that this variant may disrupt the consensus splice site. In summary, the available evidence is currently insufficient to determine the role of this variant in disease. Therefore, it has been classified as a Variant of Uncertain Significance.

NM_004370.6(COL12A1):c.4691-5T>G

Gene: COL12A1 (collagen type XII alpha 1 chain; minus strand). Cytogenetic location: 6q13.
Variant type: single nucleotide variant.
Coding change: c.4691-5T>G on transcript NM_004370.6 (MANE Select); 5 bases into the intron before coding-DNA position 4691, T replaced by G.
Molecular consequence: intron variant.
Genome position (GRCh38, 1-based): chr6:75,143,393, A>C on the plus strand (T>G on the coding strand, the complement: COL12A1 is on the minus strand). VCF-style: chr6-75143393-A-C. GRCh37 (hg19) VCF-style: chr6-75853109-A-C.
Other names: c.1199-5T>G (NM_001424116.1, NM_080645.3); c.4418-5T>G (NM_001424115.1); c.4691-5T>G (NM_001424114.1, NM_001424113.1).
Identifiers: ClinVar variation 4791569 (VCV004791569.1).